The following is an entry in ClinVar:

NM_000135.4(FANCA):c.2981+3T>C

Gene: FANCA (FA complementation group A; minus strand). Cytogenetic location: 16q24.3.
Variant type: single nucleotide variant.
Coding change: c.2981+3T>C on transcript NM_000135.4 (MANE Select); 3 bases into the intron after coding-DNA position 2981, T replaced by C.
Molecular consequence: intron variant.
Genome position (GRCh38, 1-based): chr16:89,758,574, A>G on the plus strand (T>C on the coding strand, the complement: FANCA is on the minus strand). VCF-style: chr16-89758574-A-G. GRCh37 (hg19) VCF-style: chr16-89824982-A-G.
Other names: c.2981+3T>C (NM_001286167.3).
Identifiers: ClinVar variation 1493700 (VCV001493700.7), dbSNP rs2038838887, ClinGen allele CA2573152875.

ClinVar aggregate classification (germline): Uncertain significance. Review status: criteria provided, multiple submitters, no conflicts (2 of 4 stars). 2 submissions from 2 submitters: Uncertain significance (2). Last evaluated 2026-04-14.

Conditions:
Fanconi anemia (FA). Also called: Fanconi's anemia. Identifiers: Orphanet 84, MedGen C0015625, MeSH D005199, MONDO:0019391.

Submissions (2):

Women's Health and Genetics/Laboratory Corporation of America, LabCorp
Classification: Uncertain significance. Last evaluated: 2026-04-14. Review status: criteria provided, single submitter. Criteria: LabCorp Variant Classification Summary - May 2015. Collection method: clinical testing. Allele origin: germline.

Labcorp Genetics (formerly Invitae), Labcorp
Classification: Uncertain significance for Fanconi anemia. Last evaluated: 2024-10-15. Review status: criteria provided, single submitter. Criteria: Invitae Variant Classification Sherloc (09022015). Collection method: clinical testing. Allele origin: germline.
Comment: This sequence change falls in intron 30 of the FANCA gene. It does not directly change the encoded amino acid sequence of the FANCA protein. It affects a nucleotide within the consensus splice site. This variant is not present in population databases (gnomAD no frequency). This variant has not been reported in the literature in individuals affected with FANCA-related conditions. ClinVar contains an entry for this variant (Variation ID: 1493700). Variants that disrupt the consensus splice site are a relatively common cause of aberrant splicing (PMID: 17576681, 9536098). Algorithms developed to predict the effect of sequence changes on RNA splicing suggest that this variant is not likely to affect RNA splicing. In summary, the available evidence is currently insufficient to determine the role of this variant in disease. Therefore, it has been classified as a Variant of Uncertain Significance.

Literature cited by the submitters: PubMed 17576681 (cited by Labcorp Genetics (formerly Invitae), Labcorp); PubMed 9536098 (cited by Labcorp Genetics (formerly Invitae), Labcorp).